The following is an entry in ClinVar:

ClinVar aggregate classification (germline): Uncertain significance (1 of 4 stars; one submission).

Submission:

Labcorp Genetics (formerly Invitae), Labcorp
Classification: Uncertain significance. Last evaluated: 2025-10-29. Review status: criteria provided, single submitter. Criteria: Invitae Variant Classification Sherloc (09022015). Collection method: clinical testing. Allele origin: germline.
Comment: This sequence change replaces threonine, which is neutral and polar, with alanine, which is neutral and non-polar, at codon 2439 of the KMT2A protein (p.Thr2439Ala). This variant is not present in population databases (gnomAD no frequency). This variant has not been reported in the literature in individuals affected with KMT2A-related conditions. Invitae Evidence Modeling of protein sequence and biophysical properties (such as structural, functional, and spatial information, amino acid conservation, physicochemical variation, residue mobility, and thermodynamic stability) indicates that this missense variant is not expected to disrupt KMT2A protein function with a negative predictive value of 95%. In summary, the available evidence is currently insufficient to determine the role of this variant in disease. Therefore, it has been classified as a Variant of Uncertain Significance.

NM_001197104.2(KMT2A):c.7315A>G (p.Thr2439Ala)

Gene: KMT2A (lysine methyltransferase 2A; plus strand). Cytogenetic location: 11q23.3.
Variant type: single nucleotide variant.
Coding change: c.7315A>G on transcript NM_001197104.2 (MANE Select); coding-DNA position 7315, A replaced by G.
Protein change: p.Thr2439Ala; replaces threonine 2439 with alanine.
Molecular consequence: missense variant.
Genome position (GRCh38, 1-based): chr11:118,503,207, A>G. VCF-style: chr11-118503207-A-G. GRCh37 (hg19) VCF-style: chr11-118373922-A-G.
Other names: c.7405A>G, p.Thr2469Ala (NM_001412597.1); c.7306A>G, p.Thr2436Ala (NM_005933.4); short protein forms T2436A, T2439A, T2469A.
Identifiers: ClinVar variation 4800555 (VCV004800555.1).